The following is an entry in ClinVar:

ClinVar aggregate classification (germline): Uncertain significance. Review status: criteria provided, multiple submitters, no conflicts (2 of 4 stars). 2 submissions from 2 submitters: Uncertain significance (2). Last evaluated 2025-04-06.

Conditions:
Dystonic disorder. Also called: Dystonia. Identifiers: MedGen C0013421, MONDO:0003441, HP:0001332.

Allele frequency attached by ClinVar (database versions not stated): TOPMed 0.00003; ExAC 0.00004; gnomAD 0.00007; ESP Exome Variant Server 0.00015.
gnomAD v4.1: 67 of 1,613,556 alleles (0.0042%); highest among the groups gnomAD compares: Non-Finnish European, 0.0053%; no homozygotes.

Submissions (2):

Ambry Genetics
Classification: Uncertain significance. Last evaluated: 2025-04-06. Review status: criteria provided, single submitter. Criteria: Ambry Variant Classification Scheme 2023. Collection method: clinical testing. Allele origin: germline.

Labcorp Genetics (formerly Invitae), Labcorp
Classification: Uncertain significance for Dystonic disorder. Last evaluated: 2023-11-08. Review status: criteria provided, single submitter. Criteria: Invitae Variant Classification Sherloc (09022015). Collection method: clinical testing. Allele origin: germline.
Comment: This sequence change replaces valine, which is neutral and non-polar, with methionine, which is neutral and non-polar, at codon 419 of the CIZ1 protein (p.Val419Met). This variant is present in population databases (rs148391719, gnomAD 0.007%). This missense change has been observed in individual(s) with clinical features of dystonia (Invitae). An algorithm developed to predict the effect of missense changes on protein structure and function (PolyPhen-2) suggests that this variant is likely to be tolerated. In summary, the available evidence is currently insufficient to determine the role of this variant in disease. Therefore, it has been classified as a Variant of Uncertain Significance.

NM_001131016.2(CIZ1):c.1255G>A (p.Val419Met)

Gene: CIZ1 (CDKN1A interacting zinc finger protein 1; minus strand). Cytogenetic location: 9q34.11.
Variant type: single nucleotide variant.
Coding change: c.1255G>A on transcript NM_001131016.2 (MANE Select); coding-DNA position 1255, G replaced by A.
Protein change: p.Val419Met; replaces valine 419 with methionine.
Molecular consequence: missense variant. On other transcripts: intron variant (3).
Genome position (GRCh38, 1-based): chr9:128,178,952, C>T on the plus strand (G>A on the coding strand, the complement: CIZ1 is on the minus strand). VCF-style: chr9-128178952-C-T. GRCh37 (hg19) VCF-style: chr9-130941231-C-T.
Other names: c.1345G>A, p.Val449Met (NM_001257975.2); c.952G>A, p.Val318Met (NM_001257976.2); c.1255G>A, p.Val419Met (NM_012127.3); c.1135-48G>A (NM_001131015.2); c.1063-48G>A (NM_001131018.2); c.1120-48G>A (NM_001131017.2); c.1255G>A (NM_012127.2); short protein forms V449M, V318M, V419M.
Identifiers: ClinVar variation 2862600 (VCV002862600.4), dbSNP rs148391719, ClinGen allele CA5257341.